The following is an entry in ClinVar:

ClinVar aggregate classification (germline): Likely benign (0 of 4 stars; one submission).

Conditions:
ADGRL2-related disorder. Also called: ADGRL2-related condition.

Allele frequency attached by ClinVar (database versions not stated): gnomAD 0.00011; TOPMed 0.00012; ExAC 0.00013; gnomAD exomes 0.00014; ESP Exome Variant Server 0.00023.
gnomAD v4.1: 211 of 1,606,404 alleles (0.013%); highest among the groups gnomAD compares: Admixed American, 0.039%; no homozygotes.

Submission:

PreventionGenetics, part of Exact Sciences
Classification: Likely benign for ADGRL2-related condition. Last evaluated: 2019-02-26. Review status: no assertion criteria provided. Collection method: clinical testing. Allele origin: germline.
Comment: This variant is classified as likely benign based on ACMG/AMP sequence variant interpretation guidelines (Richards et al. 2015 PMID: 25741868, with internal and published modifications).

NM_001366006.2(ADGRL2):c.1890A>G (p.Lys630=)

Gene: ADGRL2 (adhesion G protein-coupled receptor L2; plus strand). Cytogenetic location: 1p31.1.
Variant type: single nucleotide variant.
Coding change: c.1890A>G on transcript NM_001366006.2 (MANE Select); coding-DNA position 1890, A replaced by G.
Protein change: p.Lys630=; no amino-acid change (lysine 630 retained).
Molecular consequence: synonymous variant. On other transcripts: non-coding transcript variant (1).
Genome position (GRCh38, 1-based): chr1:81,955,933, A>G. VCF-style: chr1-81955933-A-G. GRCh37 (hg19) VCF-style: chr1-82421617-A-G.
Other names: c.1839A>G, p.Lys613= (NM_001297704.3, NM_001297705.3, NM_001297706.3 and 7 more transcripts); c.1878A>G, p.Lys626= (NM_001330645.3, NM_001366009.2, NM_001393350.1); c.1890A>G, p.Lys630= (NM_001350698.2, NM_001366003.2, NM_001366004.2 and 4 more transcripts).
Identifiers: ClinVar variation 3051598 (VCV003051598.2), dbSNP rs372868281, ClinGen allele CA922576.
Genomic context (GRCh38, chr1:81,955,933, plus strand): 5'-ACAGGCAATTGTTGACACAGTGGACAACCTTCTGAGACCCGAAGCTTTGGAATCATGGAA[A>G]CATATGAATTCTTCTGAACAAGCACATACTGCAACAATGTTACTCGATACATTGGAAGAA-3'
Protein context (NP_001352935.1, residues 620-640): LLRPEALESW[Lys630=]HMNSSEQAHT